The following is an entry in ClinVar:

NM_000264.5(PTCH1):c.1322G>T (p.Arg441Leu)

Gene: PTCH1 (patched 1; minus strand). Cytogenetic location: 9q22.32.
Variant type: single nucleotide variant.
Coding change: c.1322G>T on transcript NM_000264.5 (MANE Select); coding-DNA position 1322, G replaced by T.
Protein change: p.Arg441Leu; replaces arginine 441 with leucine.
Molecular consequence: missense variant. On other transcripts: non-coding transcript variant (1).
Genome position (GRCh38, 1-based): chr9:95,478,080, C>A on the plus strand (G>T on the coding strand, the complement: PTCH1 is on the minus strand). VCF-style: chr9-95478080-C-A. GRCh37 (hg19) VCF-style: chr9-98240362-C-A.
Other names: c.1124G>T, p.Arg375Leu (NM_001083602.3); c.1319G>T, p.Arg440Leu (NM_001083603.3); c.869G>T, p.Arg290Leu (NM_001083604.3, NM_001083605.3, NM_001083606.3 and 1 more transcripts); c.1322G>T, p.Arg441Leu (NM_001354918.2); short protein forms R290L, R375L, R440L, R441L.
Identifiers: ClinVar variation 3230935 (VCV003230935.1), dbSNP rs767273237, ClinGen allele CA374118747.

ClinVar aggregate classification (germline): Uncertain significance (1 of 4 stars; one submission).

Conditions:
Hereditary cancer-predisposing syndrome. Also called: Neoplastic Syndromes, Hereditary; Tumor predisposition; Hereditary neoplastic syndrome; Hereditary Cancer Syndrome. Identifiers: Orphanet 140162, MedGen C0027672, MeSH D009386, MONDO:0015356.

Submission:

Ambry Genetics
Classification: Uncertain significance for Hereditary cancer-predisposing syndrome. Last evaluated: 2024-02-12. Review status: criteria provided, single submitter. Criteria: Ambry Variant Classification Scheme 2023. Collection method: clinical testing. Allele origin: germline.
Comment: The p.R441L variant (also known as c.1322G>T), located in coding exon 9 of the PTCH1 gene, results from a G to T substitution at nucleotide position 1322. The arginine at codon 441 is replaced by leucine, an amino acid with dissimilar properties. This amino acid position is conserved. In addition, this alteration is predicted to be deleterious by in silico analysis. Based on the available evidence, the clinical significance of this alteration remains unclear.